The following is an entry in ClinVar:

NM_004629.2(FANCG):c.1379G>A (p.Gly460Asp)

Gene: FANCG (FA complementation group G; minus strand). Cytogenetic location: 9p13.3.
Variant type: single nucleotide variant.
Coding change: c.1379G>A on transcript NM_004629.2 (MANE Select); coding-DNA position 1379, G replaced by A.
Protein change: p.Gly460Asp; replaces glycine 460 with aspartic acid.
Molecular consequence: missense variant.
Genome position (GRCh38, 1-based): chr9:35,075,519, C>T on the plus strand (G>A on the coding strand, the complement: FANCG is on the minus strand). VCF-style: chr9-35075519-C-T. GRCh37 (hg19) VCF-style: chr9-35075516-C-T.
Other names: short protein forms G460D.
Identifiers: ClinVar variation 2780151 (VCV002780151.3), dbSNP rs2131053808, ClinGen allele CA373307143.

ClinVar aggregate classification (germline): Likely pathogenic (1 of 4 stars; one submission).

Conditions:
Fanconi anemia (FA). Also called: Fanconi's anemia. Identifiers: Orphanet 84, MedGen C0015625, MeSH D005199, MONDO:0019391.

Submission:

Labcorp Genetics (formerly Invitae), Labcorp
Classification: Likely pathogenic for Fanconi anemia. Last evaluated: 2023-08-11. Review status: criteria provided, single submitter. Criteria: Invitae Variant Classification Sherloc (09022015). Collection method: clinical testing. Allele origin: germline.
Comment: This missense change has been observed in individual(s) with Fanconi anemia (PMID: 29154021; Invitae). In at least one individual the data is consistent with being in trans (on the opposite chromosome) from a pathogenic variant. In summary, the currently available evidence indicates that the variant is pathogenic, but additional data are needed to prove that conclusively. Therefore, this variant has been classified as Likely Pathogenic. Advanced modeling of protein sequence and biophysical properties (such as structural, functional, and spatial information, amino acid conservation, physicochemical variation, residue mobility, and thermodynamic stability) performed at Invitae indicates that this missense variant is expected to disrupt FANCG protein function. This variant is not present in population databases (gnomAD no frequency). This sequence change replaces glycine, which is neutral and non-polar, with aspartic acid, which is acidic and polar, at codon 460 of the FANCG protein (p.Gly460Asp).

Literature cited by the submitters: PubMed 29154021.